The following is an entry in ClinVar:

NM_006230.4(POLD2):c.305C>T (p.Pro102Leu)

Gene: POLD2 (DNA polymerase delta 2, accessory subunit; minus strand). Cytogenetic location: 7p13.
Variant type: single nucleotide variant.
Coding change: c.305C>T on transcript NM_006230.4 (MANE Select); coding-DNA position 305, C replaced by T.
Protein change: p.Pro102Leu; replaces proline 102 with leucine.
Molecular consequence: missense variant.
Genome position (GRCh38, 1-based): chr7:44,117,980, G>A on the plus strand (C>T on the coding strand, the complement: POLD2 is on the minus strand). VCF-style: chr7-44117980-G-A. GRCh37 (hg19) VCF-style: chr7-44157579-G-A.
Other names: c.305C>T, p.Pro102Leu (NM_001127218.3, NM_001256879.2); short protein forms P102L.
Identifiers: ClinVar variation 4706740 (VCV004706740.1).

ClinVar aggregate classification (germline): Uncertain significance (1 of 4 stars; one submission).

gnomAD v4.1: 18 of 1,614,168 alleles (0.0011%); highest among the groups gnomAD compares: Non-Finnish European, 0.0014%; no homozygotes.

Submission:

Labcorp Genetics (formerly Invitae), Labcorp
Classification: Uncertain significance. Last evaluated: 2025-08-20. Review status: criteria provided, single submitter. Criteria: Invitae Variant Classification Sherloc (09022015). Collection method: clinical testing. Allele origin: germline.
Comment: This sequence change replaces proline, which is neutral and non-polar, with leucine, which is neutral and non-polar, at codon 137 of the POLD2 protein (p.Pro137Leu). This variant is present in population databases (rs546429678, gnomAD 0.003%). This variant has not been reported in the literature in individuals affected with POLD2-related conditions. An algorithm developed to predict the effect of missense changes on protein structure and function outputs the following: PolyPhen-2: "Not Available". The leucine amino acid residue is found in multiple mammalian species, which suggests that this missense change does not adversely affect protein function. In summary, the available evidence is currently insufficient to determine the role of this variant in disease. Therefore, it has been classified as a Variant of Uncertain Significance.